The following is an entry in ClinVar:

ClinVar aggregate classification (germline): Likely benign (0 of 4 stars; one submission).

Conditions:
PCDHA9-related disorder. Also called: PCDHA9-related condition.

Allele frequency attached by ClinVar (database versions not stated): gnomAD exomes 0.00018; TOPMed 0.00038; 1000 Genomes Project 30x 0.00031.
gnomAD v4.1: 280 of 1,598,266 alleles (0.018%); highest among the groups gnomAD compares: Admixed American, 0.46%; 23 homozygotes.

Submission:

PreventionGenetics, part of Exact Sciences
Classification: Likely benign for PCDHA9-related condition. Last evaluated: 2021-05-17. Review status: no assertion criteria provided. Collection method: clinical testing. Allele origin: germline.
Comment: This variant is classified as likely benign based on ACMG/AMP sequence variant interpretation guidelines (Richards et al. 2015 PMID: 25741868, with internal and published modifications).

NM_031857.2(PCDHA9):c.2304C>T (p.Asp768=)

Genes: PCDHA1 (protocadherin alpha 1; plus strand), PCDHA2 (protocadherin alpha 2; plus strand), PCDHA3 (protocadherin alpha 3; plus strand), PCDHA4 (protocadherin alpha 4; plus strand), PCDHA5 (protocadherin alpha 5; plus strand) and 5 more. Cytogenetic location: 5q31.3.
Variant type: single nucleotide variant.
Coding change: c.2304C>T on transcript NM_031857.2 (MANE Select); coding-DNA position 2304, C replaced by T.
Protein change: p.Asp768=; no amino-acid change (aspartic acid 768 retained).
Molecular consequence: synonymous variant. On other transcripts: intron variant (10).
Genome position (GRCh38, 1-based): chr5:140,850,799, C>T. VCF-style: chr5-140850799-C-T. GRCh37 (hg19) VCF-style: chr5-140230384-C-T.
Other names: c.1602+62907C>T (NM_031411.3); c.2388+53447C>T (NM_018905.3); c.2394+47208C>T (NM_018906.3); c.2385+41227C>T (NM_018907.4); c.2352+26672C>T (NM_018908.3); c.2394+20314C>T (NM_018909.4); c.1602+21106C>T (NM_031849.3); c.2355+14061C>T (NM_018910.3); and 3 more.
Identifiers: ClinVar variation 3041669 (VCV003041669.2), dbSNP rs576094644, ClinGen allele CA3450769.